The following is an entry in ClinVar:

NM_133259.4(LRPPRC):c.109G>A (p.Ala37Thr)

Gene: LRPPRC (leucine rich pentatricopeptide repeat containing; minus strand). Cytogenetic location: 2p21.
Variant type: single nucleotide variant.
Coding change: c.109G>A on transcript NM_133259.4 (MANE Select); coding-DNA position 109, G replaced by A.
Protein change: p.Ala37Thr; replaces alanine 37 with threonine.
Molecular consequence: missense variant.
Genome position (GRCh38, 1-based): chr2:43,995,839, C>T on the plus strand (G>A on the coding strand, the complement: LRPPRC is on the minus strand). VCF-style: chr2-43995839-C-T. GRCh37 (hg19) VCF-style: chr2-44222978-C-T.
Other names: p.A37T:GCC>ACC; short protein forms A37T.
Identifiers: ClinVar variation 214593 (VCV000214593.1), dbSNP rs763948159, ClinGen allele CA322083.

ClinVar aggregate classification (germline): Likely benign (1 of 4 stars; one submission).

Submission:

GeneDx
Classification: Likely benign. Last evaluated: 2012-09-11. Review status: criteria provided, single submitter. Criteria: GeneDx Variant Classification (06012015). Collection method: clinical testing. Allele origin: germline. Affected: yes.
Comment: This variant is considered likely benign or benign based on one or more of the following criteria: it is a conservative change, it occurs at a poorly conserved position in the protein, it is predicted to be benign by multiple in silico algorithms, and/or has population frequency not consistent with disease.